The following is an entry in ClinVar:

NM_006231.4(POLE):c.909+7A>C

Gene: POLE (DNA polymerase epsilon, catalytic subunit; minus strand). Cytogenetic location: 12q24.33.
Variant type: single nucleotide variant.
Coding change: c.909+7A>C on transcript NM_006231.4 (MANE Select); 7 bases into the intron after coding-DNA position 909, A replaced by C.
Molecular consequence: intron variant.
Genome position (GRCh38, 1-based): chr12:132,676,539, T>G on the plus strand (A>C on the coding strand, the complement: POLE is on the minus strand). VCF-style: chr12-132676539-T-G. GRCh37 (hg19) VCF-style: chr12-133253125-T-G.
Identifiers: ClinVar variation 3904148 (VCV003904148.1).

ClinVar aggregate classification (germline): Likely benign (1 of 4 stars; one submission).

Conditions:
Colorectal cancer, susceptibility to, 12 (CRCS12). Also called: COLORECTAL CANCER, SUSCEPTIBILITY TO, ON CHROMOSOME 12q24. Identifiers: Orphanet 220460, MedGen C3554460, MONDO:0014038, OMIM 615083.

Submission:

Myriad Genetics, Inc.
Classification: Likely benign for Colorectal cancer, susceptibility to, 12. Last evaluated: 2025-02-07. Review status: criteria provided, single submitter. Criteria: Myriad Autosomal Dominant, Autosomal Recessive and X-Linked Classification Criteria (2023). Collection method: clinical testing. Allele origin: unknown.
Comment: This variant is considered likely benign. This variant is intronic and is not expected to impact mRNA splicing.